The following is an entry in ClinVar:

NM_000435.3(NOTCH3):c.3901_3912delinsAG (p.Gly1301fs)

Gene: NOTCH3 (notch receptor 3; minus strand). Cytogenetic location: 19p13.12.
Variant type: Indel.
Coding change: c.3901_3912delinsAG on transcript NM_000435.3 (MANE Select); coding-DNA positions 3901 to 3912, GGCGTCCCATGC replaced by AG.
Protein change: p.Gly1301fs; shifts the reading frame from glycine 1301.
Molecular consequence: frameshift variant.
Genome position (GRCh38, 1-based): chr19:15,178,016-15,178,027, GCATGGGACGCC replaced by CT on the plus strand (GGCGTCCCATGC replaced by AG on the coding strand, the reverse complement: NOTCH3 is on the minus strand). VCF-style: chr19-15178016-GCATGGGACGCC-CT. GRCh37 (hg19) VCF-style: chr19-15288827-GCATGGGACGCC-CT.
Other names: short protein forms G1301fs.
Identifiers: ClinVar variation 3893563 (VCV003893563.1).

ClinVar aggregate classification (germline): Likely pathogenic (1 of 4 stars; one submission).

Submission:

GeneDx
Classification: Likely pathogenic. Last evaluated: 2024-10-23. Review status: criteria provided, single submitter. Criteria: GeneDx Variant Classification Process June 2021. Collection method: clinical testing. Allele origin: germline. Affected: yes.
Comment: Frameshift variant predicted to result in protein truncation or nonsense mediated decay in a gene for which loss of function is a known mechanism of disease; Not observed at significant frequency in large population cohorts (gnomAD); Has not been previously published as pathogenic or benign to our knowledge